The following is an entry in ClinVar:

ClinVar aggregate classification (germline): Uncertain significance (1 of 4 stars; one submission).

Conditions:
Early-infantile DEE. Also called: Ohtahara syndrome; Early infantile epileptic encephalopathy; Early infantile epileptic encephalopathy with suppression bursts. Identifiers: Orphanet 1934, MedGen C0393706, MONDO:0800491.

Allele frequency attached by ClinVar (database versions not stated): gnomAD exomes below 0.00001; gnomAD 0.00001; TOPMed 0.00001.

Submission:

Labcorp Genetics (formerly Invitae), Labcorp
Classification: Uncertain significance for Early-infantile DEE. Last evaluated: 2024-02-17. Review status: criteria provided, single submitter. Criteria: Invitae Variant Classification Sherloc (09022015). Collection method: clinical testing. Allele origin: germline.
Comment: This sequence change replaces arginine, which is basic and polar, with cysteine, which is neutral and slightly polar, at codon 156 of the ST3GAL3 protein (p.Arg156Cys). This variant is not present in population databases (gnomAD no frequency). This variant has not been reported in the literature in individuals affected with ST3GAL3-related conditions. ClinVar contains an entry for this variant (Variation ID: 1036970). Advanced modeling of protein sequence and biophysical properties (such as structural, functional, and spatial information, amino acid conservation, physicochemical variation, residue mobility, and thermodynamic stability) performed at Invitae indicates that this missense variant is not expected to disrupt ST3GAL3 protein function with a negative predictive value of 80%. In summary, the available evidence is currently insufficient to determine the role of this variant in disease. Therefore, it has been classified as a Variant of Uncertain Significance.

NM_006279.5(ST3GAL3):c.466C>T (p.Arg156Cys)

Gene: ST3GAL3 (ST3 beta-galactoside alpha-2,3-sialyltransferase 3; plus strand). Cytogenetic location: 1p34.1.
Variant type: single nucleotide variant.
Coding change: c.466C>T on transcript NM_006279.5 (MANE Select); coding-DNA position 466, C replaced by T.
Protein change: p.Arg156Cys; replaces arginine 156 with cysteine.
Molecular consequence: missense variant. On other transcripts: non-coding transcript variant (7), intron variant (4).
Genome position (GRCh38, 1-based): chr1:43,899,172, C>T. VCF-style: chr1-43899172-C-T. GRCh37 (hg19) VCF-style: chr1-44364844-C-T.
Other names: c.466C>T, p.Arg156Cys (NM_001270459.2, NM_001350620.2, NM_174966.4); c.373C>T, p.Arg125Cys (NM_001270460.2); c.418C>T, p.Arg140Cys (NM_001270461.3, NM_001270464.3, NM_174969.4); c.325C>T, p.Arg109Cys (NM_001270462.3); c.463C>T, p.Arg155Cys (NM_001270463.3, NM_001270465.3); c.511C>T, p.Arg171Cys (NM_001350619.2, NM_174964.4); c.187C>T, p.Arg63Cys (NM_001350621.2); c.628C>T, p.Arg210Cys (NM_001363573.2, NM_174968.5); and 6 more; short protein forms R109C, R125C, R155C, R210C, R140C, R225C, R63C, R171C.
Identifiers: ClinVar variation 1036970 (VCV001036970.9), dbSNP rs1345522834, ClinGen allele CA340269925.
Genomic context (GRCh38, chr1:43,899,172, plus strand): 5'-GAAAGAGACCTGGTGGGCAGCTCTCTGTACAGAGGTCTCCGCCTCTCTCCCCTCAGCCTC[C>T]GCTGCCGCCGCTGCATCATCGTGGGCAATGGAGGCGTTCTTGCCAACAAGTCTCTGGGGT-3'
Protein context (NP_006270.1, residues 146-166): YRLTPALDSL[Arg156Cys]CRRCIIVGNG